The following is an entry in ClinVar:

ClinVar aggregate classification (germline): Uncertain significance (1 of 4 stars; one submission).

Conditions:
Intellectual developmental disorder with autistic features and language delay, with or without seizures. Identifiers: MedGen C5394447, MONDO:0030051, OMIM 618906.

Submission:

Pittsburgh Clinical Genomics Laboratory, University of Pittsburgh Medical Center
Classification: Uncertain significance for Intellectual developmental disorder with autistic features and language delay, with or without seizures. Last evaluated: 2023-02-28. Review status: criteria provided, single submitter. Criteria: ACMG Guidelines, 2015. Collection method: clinical testing. Allele origin: germline. Inheritance: Autosomal dominant inheritance. Affected: yes.
Comment: This sequence variant is a multi-nucleotide duplication of coding nucleotides 5792 though 5802 of the TANC2 gene which creates an early termition codon 17 positions downstream of the frameshift introduced at codon 1935. This is a novel variant which has not been reported in clinical genetics databases or observed in the medical literature in individuals with TANC2-related disease, to our knowledge. This variant is absent from the gnomAD control population dataset (0/~249000 alleles). As it occurs in the fil exon of TANC2, the variant transcript is not expected to be affected by nonsense-mediated decay. However, the truncated protein will lack the PDZ-binding motif, which is essential for TANC2 interaction with PSD95, SAP97 and SCRIB proteins (PMID: 28754924). Truncating variants that elimite the PDZ-binding motif are hypothesized to be pathogenic (PMID: 31616000); however, this has not been experimentally or clinically confirmed, and pathogenic truncating variants occurring this late in the gene sequence have not been reported, to our knowledge. Based on the available evidence, we consider this to be a variant of uncertain significance. ACMG Criteria: PM1, PM2

Literature cited by the submitters: PubMed 28754924; PubMed 31616000.

NM_001394998.1(TANC2):c.6044_6054dup (p.Leu2019fs)

Gene: TANC2 (tetratricopeptide repeat, ankyrin repeat and coiled-coil containing 2; plus strand). Cytogenetic location: 17q23.3.
Variant type: Duplication.
Coding change: c.6044_6054dup on transcript NM_001394998.1 (MANE Select); coding-DNA positions 6044 to 6054, 11 bases duplicated (GTGGAGACCTC).
Protein change: p.Leu2019fs; shifts the reading frame from leucine 2019.
Molecular consequence: frameshift variant.
Genome position (GRCh38, 1-based): chr17:63,421,774-63,421,784, GTGGAGACCTC duplicated; duplicating any 11 consecutive bases within chr17:63,421,771-63,421,784 gives the same sequence; the c. name uses the placement nearest the transcript's 3' end. VCF-style (leftmost placement, unchanged base first): chr17-63421770-T-TCTCGTGGAGAC. GRCh37 (hg19) VCF-style: chr17-61499131-T-TCTCGTGGAGAC.
Other names: c.5822_5832dup, p.Leu1945fs (NM_001411076.1); c.5792_5802dup, p.Leu1935fs (NM_025185.4); short protein forms L1935fs, L1945fs, L2019fs.
Identifiers: ClinVar variation 3376272 (VCV003376272.1).